The following is an entry in ClinVar:

ClinVar aggregate classification (germline): Uncertain significance (1 of 4 stars; one submission).

Conditions:
Hyper-IgE recurrent infection syndrome 1, autosomal dominant. Also called: STAT3 Hyper IgE Syndrome; Hyper-IgE recurrent infection syndrome 1; HYPER-IgE SYNDROME 1, AUTOSOMAL DOMINANT, WITH RECURRENT INFECTIONS; Job's Syndrome; JOB SYNDROME. Identifiers: Orphanet 2314, MedGen C2936739, MONDO:0007818, OMIM 147060.
STAT3 gain of function. Identifiers: MedGen C4288261.

Allele frequency attached by ClinVar (database versions not stated): gnomAD exomes below 0.00001.

Submission:

Labcorp Genetics (formerly Invitae), Labcorp
Classification: Uncertain significance for STAT3 gain of function; Hyper-IgE recurrent infection syndrome 1, autosomal dominant. Last evaluated: 2019-09-30. Review status: criteria provided, single submitter. Criteria: Invitae Variant Classification Sherloc (09022015). Collection method: clinical testing. Allele origin: germline.
Comment: This sequence change falls in intron 5 of the STAT3 gene. It does not directly change the encoded amino acid sequence of the STAT3 protein, but it affects a nucleotide within the consensus splice site of the intron. In summary, the available evidence is currently insufficient to determine the role of this variant in disease. Therefore, it has been classified as a Variant of Uncertain Significance. Nucleotide substitutions within the consensus splice site are a relatively common cause of aberrant splicing (PMID: 17576681, 9536098). Algorithms developed to predict the effect of sequence changes on RNA splicing suggest that this variant may create or strengthen a splice site, but this prediction has not been confirmed by published transcriptional studies. This variant has not been reported in the literature in individuals with STAT3-related conditions. This variant is not present in population databases (ExAC no frequency).

Literature cited by the submitters: PubMed 17576681; PubMed 9536098.

NM_139276.3(STAT3):c.468+3G>A

Gene: STAT3 (signal transducer and activator of transcription 3; minus strand). Cytogenetic location: 17q21.2.
Variant type: single nucleotide variant.
Coding change: c.468+3G>A on transcript NM_139276.3 (MANE Select); 3 bases into the intron after coding-DNA position 468, G replaced by A.
Molecular consequence: intron variant.
Genome position (GRCh38, 1-based): chr17:42,339,311, C>T on the plus strand (G>A on the coding strand, the complement: STAT3 is on the minus strand). VCF-style: chr17-42339311-C-T. GRCh37 (hg19) VCF-style: chr17-40491329-C-T.
Other names: c.468+3G>A (NM_001369519.1, NM_003150.4, NM_001369517.1 and 7 more transcripts).
Identifiers: ClinVar variation 967952 (VCV000967952.8), dbSNP rs375028429, ClinGen allele CA626050297.